The following is an entry in ClinVar:

ClinVar aggregate classification (germline): Pathogenic (1 of 4 stars; one submission).

Conditions:
CHARGE syndrome (CHARGE). Also called: Hittner Hirsch Kreh syndrome; CHARGE ASSOCIATION--COLOBOMA, HEART ANOMALY, CHOANAL ATRESIA, RETARDATION, GENITAL AND EAR ANOMALIES; Coloboma, heart anomaly, choanal atresia, retardation, genital and ear anomalies; CHARGE association; Hall-Hittner syndrome. Identifiers: Orphanet 138, MedGen C0265354, MONDO:0008965.

Submission:

Labcorp Genetics (formerly Invitae), Labcorp
Classification: Pathogenic for CHARGE syndrome. Last evaluated: 2022-01-05. Review status: criteria provided, single submitter. Criteria: Invitae Variant Classification Sherloc (09022015). Collection method: clinical testing. Allele origin: germline.
Comment: This sequence change creates a premature translational stop signal (p.Tyr2608*) in the CHD7 gene. It is expected to result in an absent or disrupted protein product. Loss-of-function variants in CHD7 are known to be pathogenic (PMID: 22461308, 25077900). This premature translational stop signal has been observed in individual(s) with CHARGE syndrome (PMID: 15300250). In at least one individual the variant was observed to be de novo. This variant is not present in population databases (gnomAD no frequency). For these reasons, this variant has been classified as Pathogenic.

Literature cited by the submitters: PubMed 22461308; PubMed 25077900; PubMed 15300250.

NM_017780.4(CHD7):c.7824T>A (p.Tyr2608Ter)

Gene: CHD7 (chromodomain helicase DNA binding protein 7; plus strand). Cytogenetic location: 8q12.2.
Variant type: single nucleotide variant.
Coding change: c.7824T>A on transcript NM_017780.4 (MANE Select); coding-DNA position 7824, T replaced by A.
Protein change: p.Tyr2608Ter; replaces tyrosine 2608 with a stop codon.
Molecular consequence: nonsense. On other transcripts: intron variant (1).
Genome position (GRCh38, 1-based): chr8:60,861,119, T>A. VCF-style: chr8-60861119-T-A. GRCh37 (hg19) VCF-style: chr8-61773678-T-A.
Other names: c.1717-1110T>A (NM_001316690.1); short protein forms Y2608*.
Identifiers: ClinVar variation 2136676 (VCV002136676.4), dbSNP rs1586460329, ClinGen allele CA371304781.